The following is an entry in ClinVar:

ClinVar aggregate classification (germline): Uncertain significance (1 of 4 stars; one submission).

gnomAD v4.1: 12 of 1,209,794 alleles (0.00099%); highest among the groups gnomAD compares: African/African-American, 0.016%; no homozygotes.

Submission:

Women's Health and Genetics/Laboratory Corporation of America, LabCorp
Classification: Uncertain significance. Last evaluated: 2025-02-04. Review status: criteria provided, single submitter. Criteria: LabCorp Variant Classification Summary - May 2015. Collection method: clinical testing. Allele origin: germline.
Comment: Variant summary: ELF4 c.1648A>G (p.Met550Val) results in a conservative amino acid change in the encoded protein sequence. Five of five in-silico tools predict a benign effect of the variant on protein function. The variant allele was found at a frequency of 1.1e-05 in 182293 control chromosomes (gnomAD). The available data on variant occurrences in the general population are insufficient to allow any conclusion about variant significance. To our knowledge, no occurrence of c.1648A>G in individuals affected with Autoinflammatory syndrome, familial, X-linked, Behcet-like 2 and no experimental evidence demonstrating its impact on protein function have been reported. No submitters have cited clinical-significance assessments for this variant to ClinVar. Based on the evidence outlined above, the variant was classified as uncertain significance.

NM_001421.4(ELF4):c.1648A>G (p.Met550Val)

Gene: ELF4 (E74 like ETS transcription factor 4; minus strand). Cytogenetic location: Xq26.1.
Variant type: single nucleotide variant.
Coding change: c.1648A>G on transcript NM_001421.4 (MANE Select); coding-DNA position 1648, A replaced by G.
Protein change: p.Met550Val; replaces methionine 550 with valine.
Molecular consequence: missense variant.
Genome position (GRCh38, 1-based): chrX:130,067,065, T>C on the plus strand (A>G on the coding strand, the complement: ELF4 is on the minus strand). VCF-style: chrX-130067065-T-C. GRCh37 (hg19) VCF-style: chrX-129201040-T-C.
Other names: c.1648A>G, p.Met550Val (NM_001127197.2); short protein forms M550V.
Identifiers: ClinVar variation 3768778 (VCV003768778.1).